The following is an entry in ClinVar:

ClinVar aggregate classification (germline): Likely pathogenic (1 of 4 stars; one submission).

Conditions:
Charcot-Marie-Tooth disease type 2. Also called: Charcot-Marie-Tooth type 2. Identifiers: Orphanet 64746, MedGen C0270914, MONDO:0018993.

Submission:

Labcorp Genetics (formerly Invitae), Labcorp
Classification: Likely pathogenic for Charcot-Marie-Tooth disease type 2. Last evaluated: 2023-06-30. Review status: criteria provided, single submitter. Criteria: Invitae Variant Classification Sherloc (09022015). Collection method: clinical testing. Allele origin: germline.
Comment: This variant results in a copy number gain of the genomic region encompassing exon(s) 4 of the MFN2 gene. While the exact position of this variant cannot be determined from the data, sub-genic copy number gains are generally in tandem (PMID: 25640679). This variant is predicted to be out-of-frame, and may result in an absent or disrupted protein product. Loss-of-function variants in MFN2 are known to be pathogenic (PMID: 16714318, 16835246, 21715711, 23781337, 26955893). This variant has not been reported in the literature in individuals affected with MFN2-related conditions. In summary, the currently available evidence indicates that the variant is pathogenic, but additional data are needed to prove that conclusively. Therefore, this variant has been classified as Likely Pathogenic.

Literature cited by the submitters: PubMed 25640679; PubMed 16714318; PubMed 16835246; PubMed 21715711; PubMed 23781337; PubMed 26955893.

NC_000001.10:g.(?_12052592)_(12052767_?)dup

Gene: MFN2 (mitofusin 2; plus strand). Cytogenetic location: 1p36.22.
Variant type: Duplication.
Identifiers: ClinVar variation 1519497 (VCV001519497.4).